The following is an entry in ClinVar:

NM_001283009.2(RTEL1):c.3077G>T (p.Arg1026Met)

Genes: RTEL1 (regulator of telomere elongation helicase 1; plus strand), RTEL1-TNFRSF6B (RTEL1-TNFRSF6B readthrough (NMD candidate); plus strand). Cytogenetic location: 20q13.33.
Variant type: single nucleotide variant.
Coding change: c.3077G>T on transcript NM_001283009.2 (MANE Select); coding-DNA position 3077, G replaced by T.
Protein change: p.Arg1026Met; replaces arginine 1026 with methionine.
Molecular consequence: missense variant. On other transcripts: non-coding transcript variant (1).
Genome position (GRCh38, 1-based): chr20:63,694,456, G>T. VCF-style: chr20-63694456-G-T. GRCh37 (hg19) VCF-style: chr20-62325809-G-T.
Other names: c.3077G>T, p.Arg1026Met (NM_016434.4); c.3149G>T, p.Arg1050Met (NM_032957.5); c.2408G>T, p.Arg803Met (NM_001283010.1); short protein forms R1026M, R803M, R1050M.
Identifiers: ClinVar variation 1376033 (VCV001376033.7), dbSNP rs1448735633, ClinGen allele CA409684621.

ClinVar aggregate classification (germline): Uncertain significance. Review status: criteria provided, multiple submitters, no conflicts (2 of 4 stars). 2 submissions from 2 submitters: Uncertain significance (2). Last evaluated 2025-05-28.

Conditions:
Dyskeratosis congenita, autosomal recessive 5 (DKCB5). Identifiers: MedGen C3554656, MONDO:0014076, OMIM 615190.
Pulmonary fibrosis and/or bone marrow failure, Telomere-related, 3. Also called: PULMONARY FIBROSIS AND/OR BONE MARROW FAILURE SYNDROME, TELOMERE-RELATED, 3. Identifiers: Orphanet 2032, MedGen C4225346, MONDO:0014613, OMIM 616373.
Inborn genetic diseases. Identifiers: MedGen C0950123, MeSH D030342.

Allele frequency attached by ClinVar (database versions not stated): TOPMed below 0.00001.

Submissions (2):

Labcorp Genetics (formerly Invitae), Labcorp
Classification: Uncertain significance for Dyskeratosis congenita, autosomal recessive 5; Pulmonary fibrosis and/or bone marrow failure, Telomere-related, 3. Last evaluated: 2025-05-28. Review status: criteria provided, single submitter. Criteria: Invitae Variant Classification Sherloc (09022015). Collection method: clinical testing. Allele origin: germline.
Comment: This sequence change replaces arginine, which is basic and polar, with methionine, which is neutral and non-polar, at codon 1026 of the RTEL1 protein (p.Arg1026Met). This variant is not present in population databases (gnomAD no frequency). This variant has not been reported in the literature in individuals affected with RTEL1-related conditions. ClinVar contains an entry for this variant (Variation ID: 1376033). An algorithm developed to predict the effect of missense changes on protein structure and function (PolyPhen-2) suggests that this variant is likely to be disruptive. In summary, the available evidence is currently insufficient to determine the role of this variant in disease. Therefore, it has been classified as a Variant of Uncertain Significance.

Ambry Genetics
Classification: Uncertain significance for Inborn genetic diseases. Last evaluated: 2025-01-23. Review status: criteria provided, single submitter. Criteria: Ambry Variant Classification Scheme 2023. Collection method: clinical testing. Allele origin: germline.
Comment: The p.R1026M variant (also known as c.3077G>T), located in coding exon 30 of the RTEL1 gene, results from a G to T substitution at nucleotide position 3077. The arginine at codon 1026 is replaced by methionine, an amino acid with similar properties. This amino acid position is conserved. In addition, this alteration is predicted to be tolerated by in silico analysis. Based on the available evidence, the clinical significance of this variant remains unclear.